The following is an entry in ClinVar:

NM_014946.4(SPAST):c.1413+6T>C

Gene: SPAST (spastin; plus strand). Cytogenetic location: 2p22.3.
Variant type: single nucleotide variant.
Coding change: c.1413+6T>C on transcript NM_014946.4 (MANE Select); 6 bases into the intron after coding-DNA position 1413, T replaced by C.
Molecular consequence: intron variant.
Genome position (GRCh38, 1-based): chr2:32,136,974, T>C. VCF-style: chr2-32136974-T-C. GRCh37 (hg19) VCF-style: chr2-32362043-T-C.
Other names: p.?; c.1317+6T>C (NM_199436.2, NM_001377959.1); c.1410+6T>C (NM_001363823.2); c.1314+6T>C (NM_001363875.2).
Identifiers: ClinVar variation 1256243 (VCV001256243.4), dbSNP rs1553318284, ClinGen allele CA1242501846.
Genomic context (GRCh38, chr2:32,136,974, plus strand): 5'-GGAGCACGATGCTAGTAGACGCCTAAAAACTGAATTTCTAATAGAATTTGATGGTGTAAG[T>C]GTTGATTATGATATTTTTAATGTGGCAGCATTTTAGTATATTTTCCTATTAAATGGCCAA-3'

ClinVar aggregate classification (germline): Pathogenic/Likely pathogenic. Review status: criteria provided, multiple submitters, no conflicts (2 of 4 stars). 3 submissions from 3 submitters: Pathogenic (1); Likely pathogenic (2). Last evaluated 2023-12-06.

Submissions (3):

Mayo Clinic Laboratories, Mayo Clinic
Classification: Likely pathogenic. Last evaluated: 2023-12-06. Review status: criteria provided, single submitter. Criteria: ACMG Guidelines, 2015. Collection method: clinical testing. Allele origin: germline. Observed: 1 variant allele.
Comment: PM2_moderate, PM6, PS3

GeneDx
Classification: Likely pathogenic. Last evaluated: 2022-09-16. Review status: criteria provided, single submitter. Criteria: GeneDx Variant Classification Process June 2021. Collection method: clinical testing. Allele origin: germline. Affected: yes.
Comment: Published functional studies demonstrate a damaging effect on splicing with skipping of exon 11 in a patient with hereditary spastic paraplegia (Svenson et al., 2004); Not observed at significant frequency in large population cohorts (gnomAD); This variant is associated with the following publications: (PMID: 15248095, 31157359, 27334366)

Athena Diagnostics
Classification: Pathogenic. Last evaluated: 2021-03-06. Review status: criteria provided, single submitter. Criteria: Athena Diagnostics Criteria. Collection method: clinical testing. Allele origin: unknown.
Comment: This variant has not been reported in large, multi-ethnic general populations. This variant has been identified in at least one individual, including a de novo case, with clinical features associated with this gene. Assessment of experimental evidence suggests this variant results in abnormal protein function. This variant will result in premature termination of the protein due to abnormal RNA splicing (PMID:15248095).

Literature cited by the submitters: PubMed 15248095 (cited by Mayo Clinic Laboratories, Mayo Clinic and Athena Diagnostics); PubMed 27334366 (cited by Mayo Clinic Laboratories, Mayo Clinic and Athena Diagnostics); PubMed 31157359 (cited by Mayo Clinic Laboratories, Mayo Clinic).